The following is an entry in ClinVar:

ClinVar aggregate classification (germline): Uncertain significance (1 of 4 stars; one submission).

Conditions:
Baller-Gerold syndrome (BGS). Also called: CRANIOSYNOSTOSIS WITH RADIAL DEFECTS. Identifiers: Orphanet 1225, MedGen C0265308, MONDO:0009039, OMIM 218600.

Submission:

Labcorp Genetics (formerly Invitae), Labcorp
Classification: Uncertain significance for Baller-Gerold syndrome. Last evaluated: 2026-01-10. Review status: criteria provided, single submitter. Criteria: Invitae Variant Classification Sherloc (09022015). Collection method: clinical testing. Allele origin: germline.
Comment: This sequence change replaces glutamine, which is neutral and polar, with proline, which is neutral and non-polar, at codon 218 of the RECQL4 protein (p.Gln218Pro). This variant is not present in population databases (gnomAD no frequency). This variant has not been reported in the literature in individuals affected with RECQL4-related conditions. Invitae Evidence Modeling of protein sequence and biophysical properties (such as structural, functional, and spatial information, amino acid conservation, physicochemical variation, residue mobility, and thermodynamic stability) indicates that this missense variant is not expected to disrupt RECQL4 protein function with a negative predictive value of 80%. In summary, the available evidence is currently insufficient to determine the role of this variant in disease. Therefore, it has been classified as a Variant of Uncertain Significance.

NM_004260.4(RECQL4):c.653A>C (p.Gln218Pro)

Gene: RECQL4 (RecQ like helicase 4; minus strand). Cytogenetic location: 8q24.3.
Variant type: single nucleotide variant.
Coding change: c.653A>C on transcript NM_004260.4 (MANE Select); coding-DNA position 653, A replaced by C.
Protein change: p.Gln218Pro; replaces glutamine 218 with proline.
Molecular consequence: missense variant. On other transcripts: 5 prime UTR variant (15), non-coding transcript variant (3), intron variant (3).
Genome position (GRCh38, 1-based): chr8:144,516,466, T>G on the plus strand (A>C on the coding strand, the complement: RECQL4 is on the minus strand). VCF-style: chr8-144516466-T-G. GRCh37 (hg19) VCF-style: chr8-145741850-T-G.
Other names: c.653A>C, p.Gln218Pro (NM_001413017.1, NM_001413018.1, NM_001413019.1 and 4 more transcripts); c.-419A>C (NM_001413022.1, NM_001413023.1, NM_001413024.1 and 5 more transcripts); c.524A>C, p.Gln175Pro (NM_001413025.1); c.-481A>C (NM_001413027.1, NM_001413030.1, NM_001413031.1 and 2 more transcripts); c.-323A>C (NM_001413034.1); c.-688A>C (NM_001413043.1); c.355-53A>C (NM_001413029.1); c.-366-53A>C (NM_001413021.1, NM_001413028.1); short protein forms Q175P, Q218P.
Identifiers: ClinVar variation 4804388 (VCV004804388.1).